The following is an entry in ClinVar:

ClinVar aggregate classification (germline): Pathogenic (1 of 4 stars; one submission).

Conditions:
Rhabdoid tumor predisposition syndrome 2 (RTPS2). Identifiers: Orphanet 231108, Orphanet 69077, MedGen C2750074, MONDO:0013224, OMIM 613325.

Submission:

Labcorp Genetics (formerly Invitae), Labcorp
Classification: Pathogenic for Rhabdoid tumor predisposition syndrome 2. Last evaluated: 2022-05-28. Review status: criteria provided, single submitter. Criteria: Invitae Variant Classification Sherloc (09022015). Collection method: clinical testing. Allele origin: germline.
Comment: This sequence change creates a premature translational stop signal (p.Lys1091Asnfs*15) in the SMARCA4 gene. It is expected to result in an absent or disrupted protein product. Loss-of-function variants in SMARCA4 are known to be pathogenic (PMID: 24658001, 24658002). This variant is not present in population databases (gnomAD no frequency). This variant has not been reported in the literature in individuals affected with SMARCA4-related conditions. For these reasons, this variant has been classified as Pathogenic.

Literature cited by the submitters: PubMed 24658001; PubMed 24658002.

NM_003072.5(SMARCA4):c.3267del (p.Lys1091fs)

Gene: SMARCA4 (SWI/SNF related BAF chromatin remodeling complex subunit ATPase 4; plus strand). Cytogenetic location: 19p13.2.
Variant type: Deletion.
Coding change: c.3267del on transcript NM_003072.5 (MANE Select); coding-DNA position 3267, one base deleted (T; older notation c.3267delT).
Protein change: p.Lys1091fs; shifts the reading frame from lysine 1091.
Molecular consequence: frameshift variant. On other transcripts: non-coding transcript variant (1).
Genome position (GRCh38, 1-based): chr19:11,027,835, T deleted; the last of 2 consecutive T bases (chr19:11,027,834-11,027,835); deleting either gives the same sequence. VCF-style (leftmost placement, unchanged base first): chr19-11027833-CT-C. GRCh37 (hg19) VCF-style: chr19-11138509-CT-C.
Other names: c.3267del, p.Lys1091fs (NM_001128844.3, NM_001128845.2, NM_001128846.2 and 5 more transcripts); c.3267delT, p.Lys1091Asnfs (NM_001411150.1); short protein forms K1091fs.
Identifiers: ClinVar variation 2000156 (VCV002000156.4), dbSNP rs2515115443, ClinGen allele CA2580096378.